The following is an entry in ClinVar:

NM_153717.3(EVC):c.645_646del (p.Leu216fs)

Gene: EVC (EvC ciliary complex subunit 1; plus strand). Cytogenetic location: 4p16.2.
Variant type: Deletion.
Coding change: c.645_646del on transcript NM_153717.3 (MANE Select); coding-DNA positions 645 to 646, 2 bases deleted (CC; older notation c.645_646delCC).
Protein change: p.Leu216fs; shifts the reading frame from leucine 216.
Molecular consequence: frameshift variant.
Genome position (GRCh38, 1-based): chr4:5,733,378-5,733,379, CC deleted. VCF-style (leftmost placement, unchanged base first): chr4-5733377-GCC-G. GRCh37 (hg19) VCF-style: chr4-5735104-GCC-G.
Other names: c.645_646del, p.Leu216fs (NM_001306090.2, NM_001306092.2); short protein forms L216fs.
Identifiers: ClinVar variation 5015584 (VCV005015584.1).
Genomic context (GRCh38, chr4:5,733,377, plus strand): 5'-GAAAGTCTTTTCCGCTTCTCATTTTATTTTGCAGTGTAGACGTTGACCTGTGTATCTACA[GCC>G]TTCACTTAAAAGACCTGCTGCATTTGGACACGGCACTGAGGCAGGAAAAGCATATGGTAG-3'

ClinVar aggregate classification (germline): Pathogenic (1 of 4 stars; one submission).

Conditions:
Ellis-van Creveld syndrome (EVC). Also called: MESOECTODERMAL DYSPLASIA; Chondroectodermal dysplasia. Identifiers: Orphanet 289, MedGen C0013903, MONDO:0009162, OMIM 225500.

Submission:

Myriad Genetics, Inc.
Classification: Pathogenic for Ellis-van Creveld syndrome. Last evaluated: 2026-02-21. Review status: criteria provided, single submitter. Criteria: Myriad Autosomal Dominant, Autosomal Recessive and X-Linked Classification Criteria (2023). Collection method: clinical testing. Allele origin: unknown.
Comment: NM_153717.2(EVC):c.645_646delCC(L216Sfs*25) is expected to be pathogenic in the context of EVC-related Ellis-van Creveld syndrome. This variant is predicted to lead to an abnormal or absent protein product due to the creation of a premature termination codon in EVC, a gene where loss-of-function variants are known to be pathogenic. Please note: this variant was assessed in the context of healthy population screening.